The following is an entry in ClinVar:

ClinVar aggregate classification (germline): Uncertain significance (1 of 4 stars; one submission).

Conditions:
Cardiovascular phenotype. Identifiers: MedGen CN230736.

Submission:

Molecular Diagnostic Laboratory for Inherited Cardiovascular Disease, Montreal Heart Institute
Classification: Uncertain significance for Cardiovascular phenotype. Last evaluated: 2025-04-09. Review status: criteria provided, single submitter. Criteria: ACMG Guidelines, 2015. Collection method: clinical testing. Allele origin: germline. Affected: yes.
Comment: PVS1_mod, PM2

NM_003280.3(TNNC1):c.481del (p.Glu161fs)

Gene: TNNC1 (troponin C1, slow skeletal and cardiac type; minus strand). Cytogenetic location: 3p21.1.
Variant type: Deletion.
Coding change: c.481del on transcript NM_003280.3 (MANE Select); coding-DNA position 481, one base deleted (G; older notation c.481delG).
Protein change: p.Glu161fs; shifts the reading frame from glutamic acid 161.
Molecular consequence: frameshift variant.
Genome position (GRCh38, 1-based): chr3:52,451,280, C deleted on the plus strand (G on the coding strand, the reverse complement: TNNC1 is on the minus strand); the first of 2 consecutive C bases (chr3:52,451,280-52,451,281); deleting either gives the same sequence. VCF-style (leftmost placement, unchanged base first): chr3-52451279-TC-T. GRCh37 (hg19) VCF-style: chr3-52485295-TC-T.
Other names: c.480delG, p.Glu161Serfs (NM_003280.2); short protein forms E161fs.
Identifiers: ClinVar variation 3895316 (VCV003895316.1).